The following is an entry in ClinVar:

ClinVar aggregate classification (germline): Uncertain significance (1 of 4 stars; one submission).

Conditions:
MEGF10-related myopathy (CMYO10A). Also called: Congenital myopathy 10A, severe variant. Identifiers: Orphanet 439212, MedGen C3280679, MONDO:0013731, OMIM 614399.

Allele frequency attached by ClinVar (database versions not stated): gnomAD exomes below 0.00001; gnomAD 0.00001; TOPMed 0.00001.
gnomAD v4.1: 4 of 1,613,900 alleles (0.00025%); highest among the groups gnomAD compares: African/African-American, 0.0053%; no homozygotes.

Submission:

Labcorp Genetics (formerly Invitae), Labcorp
Classification: Uncertain significance for MEGF10-related myopathy. Last evaluated: 2022-07-25. Review status: criteria provided, single submitter. Criteria: Invitae Variant Classification Sherloc (09022015). Collection method: clinical testing. Allele origin: germline.
Comment: Algorithms developed to predict the effect of missense changes on protein structure and function are either unavailable or do not agree on the potential impact of this missense change (SIFT: "Deleterious"; PolyPhen-2: "Benign"; Align-GVGD: "Class C0"). This variant has not been reported in the literature in individuals affected with MEGF10-related conditions. This variant is present in population databases (no rsID available, gnomAD 0.007%). This sequence change replaces isoleucine, which is neutral and non-polar, with valine, which is neutral and non-polar, at codon 878 of the MEGF10 protein (p.Ile878Val). In summary, the available evidence is currently insufficient to determine the role of this variant in disease. Therefore, it has been classified as a Variant of Uncertain Significance.

NM_001256545.2(MEGF10):c.2632A>G (p.Ile878Val)

Gene: MEGF10 (multiple EGF like domains 10; plus strand). Cytogenetic location: 5q23.2.
Variant type: single nucleotide variant.
Coding change: c.2632A>G on transcript NM_001256545.2 (MANE Select); coding-DNA position 2632, A replaced by G.
Protein change: p.Ile878Val; replaces isoleucine 878 with valine.
Molecular consequence: missense variant.
Genome position (GRCh38, 1-based): chr5:127,445,597, A>G. VCF-style: chr5-127445597-A-G. GRCh37 (hg19) VCF-style: chr5-126781289-A-G.
Other names: c.2632A>G, p.Ile878Val (NM_032446.3); short protein forms I878V.
Identifiers: ClinVar variation 2175000 (VCV002175000.4), dbSNP rs911086545, ClinGen allele CA126966955.